The following is an entry in ClinVar:

NM_001374385.1(ATP8B1):c.2302A>G (p.Arg768Gly)

Genes: ATP8B1 (ATPase phospholipid transporting 8B1; minus strand), ATP8B1-AS1 (ATP8B1 antisense RNA 1; plus strand). Cytogenetic location: 18q21.31.
Variant type: single nucleotide variant.
Coding change: c.2302A>G on transcript NM_001374385.1 (MANE Select); coding-DNA position 2302, A replaced by G.
Protein change: p.Arg768Gly; replaces arginine 768 with glycine.
Molecular consequence: missense variant.
Genome position (GRCh38, 1-based): chr18:57,662,599, T>C on the plus strand (A>G on the coding strand, the complement: ATP8B1 is on the minus strand). VCF-style: chr18-57662599-T-C. GRCh37 (hg19) VCF-style: chr18-55329831-T-C.
Other names: c.2152A>G, p.Arg718Gly (NM_001374386.1); c.2302A>G, p.Arg768Gly (NM_005603.6); short protein forms R718G, R768G.
Identifiers: ClinVar variation 4846275 (VCV004846275.1).

ClinVar aggregate classification (germline): Uncertain significance (1 of 4 stars; one submission).

Conditions:
Familial intrahepatic cholestasis. Identifiers: Orphanet 284385, MedGen CN296401, MONDO:0017290.

gnomAD v4.1: 1 of 1,614,204 alleles (0.000062%); highest among the groups gnomAD compares: South Asian, 0.0011%; no homozygotes.

Submission:

Genomenon, Inc
Classification: Uncertain significance for Familial intrahepatic cholestasis. Last evaluated: 2026-04-14. Review status: criteria provided, single submitter. Criteria: Genomenon Sequence Variant Interpretation Standards - Updated. Collection method: curation. Allele origin: germline. Affected: no.
Comment: ATP8B1 p.Arg768Gly (c.2302A>G) is a missense variant that changes the amino acid at residue 768 from Arginine to Glycine. This variant has been reported in the published literature (PMID:37208429). It is absent or not present at a significant frequency in gnomAD. In silico models predict that this variant is not damaging. In conclusion, we classify ATP8B1 p.Arg768Gly (c.2302A>G) as a variant of uncertain significance.

Literature cited by the submitters: PubMed 37208429.